The following is an entry in ClinVar:

ClinVar aggregate classification (germline): Likely benign (1 of 4 stars; one submission).

Submission:

CeGaT Center for Human Genetics Tuebingen
Classification: Likely benign. Last evaluated: 2024-04-01. Review status: criteria provided, single submitter. Criteria: CeGaT Center For Human Genetics Tuebingen Variant Classification Criteria Version 2. Collection method: clinical testing. Allele origin: germline. Affected: yes. Observed: 2 variant alleles.
Comment: CEL: BP4, BP7

NM_001807.6(CEL):c.1914G>C (p.Pro638=)

Gene: CEL (carboxyl ester lipase; plus strand). Cytogenetic location: 9q34.13.
Variant type: single nucleotide variant.
Coding change: c.1914G>C on transcript NM_001807.6 (MANE Select); coding-DNA position 1914, G replaced by C.
Protein change: p.Pro638=; no amino-acid change (proline 638 retained).
Molecular consequence: synonymous variant.
Genome position (GRCh38, 1-based): chr9:133,071,416, G>C. VCF-style: chr9-133071416-G-C. GRCh37 (hg19) VCF-style: chr9-135946803-G-C.
Identifiers: ClinVar variation 2659678 (VCV002659678.24), dbSNP rs1257394759, ClinGen allele CA467814139.